The following is an entry in ClinVar:

NM_004380.3(CREBBP):c.1663C>G (p.Leu555Val)

Gene: CREBBP (CREB binding lysine acetyltransferase; minus strand). Cytogenetic location: 16p13.3.
Variant type: single nucleotide variant.
Coding change: c.1663C>G on transcript NM_004380.3 (MANE Select); coding-DNA position 1663, C replaced by G.
Protein change: p.Leu555Val; replaces leucine 555 with valine.
Molecular consequence: missense variant.
Genome position (GRCh38, 1-based): chr16:3,781,217, G>C on the plus strand (C>G on the coding strand, the complement: CREBBP is on the minus strand). VCF-style: chr16-3781217-G-C. GRCh37 (hg19) VCF-style: chr16-3831218-G-C.
Other names: c.1549C>G, p.Leu517Val (NM_001079846.1); short protein forms L555V, L517V.
Identifiers: ClinVar variation 4992780 (VCV004992780.1).

ClinVar aggregate classification (germline): Uncertain significance (1 of 4 stars; one submission).

Conditions:
CREBBP-related disorder. Also called: CREBBP-related condition; CREBBP-related disorders.

gnomAD v4.1: 1 of 1,613,902 alleles (0.000062%); highest among the groups gnomAD compares: Non-Finnish European, 0.000085%; no homozygotes.

Submission:

PreventionGenetics, part of Exact Sciences
Classification: Uncertain significance for CREBBP-related condition. Last evaluated: 2026-09-17. Review status: criteria provided, single submitter. Criteria: ACMG Guidelines, 2015. Collection method: clinical testing. Allele origin: germline.
Comment: The CREBBP c.1663C>G variant is predicted to result in the amino acid substitution p.Leu555Val. To our knowledge, this variant has not been reported in the literature or in a large population database (gnomAD), indicating this variant is rare. At this time, the clinical significance of this variant is uncertain due to the absence of conclusive functional and genetic evidence.